The following is an entry in ClinVar:

NM_003235.5(TG):c.3G>T (p.Met1Ile)

Gene: TG (thyroglobulin; plus strand). Cytogenetic location: 8q24.22.
Variant type: single nucleotide variant.
Coding change: c.3G>T on transcript NM_003235.5 (MANE Select); coding-DNA position 3, G replaced by T.
Protein change: p.Met1Ile; changes the start codon (methionine 1).
Molecular consequence: missense variant, initiator codon variant.
Genome position (GRCh38, 1-based): chr8:132,867,003, G>T. VCF-style: chr8-132867003-G-T. GRCh37 (hg19) VCF-style: chr8-133879248-G-T.
Other names: short protein forms M1I.
Identifiers: ClinVar variation 1333496 (VCV001333496.2), dbSNP rs2132013784, ClinGen allele CA372243968.

ClinVar aggregate classification (germline): Uncertain significance (1 of 4 stars; one submission).

Conditions:
Iodotyrosyl coupling defect (TDH3). Also called: THYROID HORMONOGENESIS, GENETIC DEFECT IN, 3; HYPOTHYROIDISM, CONGENITAL, DUE TO DYSHORMONOGENESIS, 3. Identifiers: Orphanet 95716, MedGen C0342194, MONDO:0010135, OMIM 274700.

Allele frequency attached by ClinVar (database versions not stated): gnomAD exomes below 0.00001.

Submission:

3billion
Classification: Uncertain significance for Iodotyrosyl coupling defect. Last evaluated: 2022-01-03. Review status: criteria provided, single submitter. Criteria: ACMG Guidelines, 2015. Collection method: clinical testing. Allele origin: germline. Affected: yes. Observed: 1 homozygote.
Comment: Start-lost: reinitiation of translation may occur at a downstream alternate start codon but still result in a loss or disruption of normal protein function as there have been pathogenic variants reported upstream of the alterante start codon (PVS1_M). It is not observed in the gnomAD v2.1.1 dataset (PM2_M). Therefore, this variant is classified as uncertain significance according to the recommendation of ACMG/AMP guideline.